The following is an entry in ClinVar:

ClinVar aggregate classification (germline): Pathogenic (1 of 4 stars; one submission).

Conditions:
Hereditary breast ovarian cancer syndrome. Also called: BRCA1- and BRCA2-Associated Hereditary Breast and Ovarian Cancer; Hereditary breast and/or ovarian cancer syndrome; Hereditary breast and ovarian cancer; Hereditary breast and ovarian cancer syndrome (HBOC); Breast and ovarian cancer; Hereditary breast and ovarian cancer syndrome. Identifiers: Orphanet 145, MedGen C0677776, MeSH D061325, MONDO:0003582. Disease mechanism: loss of function.

Submission:

Women's Health and Genetics/Laboratory Corporation of America, LabCorp
Classification: Pathogenic for Hereditary breast ovarian cancer syndrome. Last evaluated: 2024-10-21. Review status: criteria provided, single submitter. Criteria: LabCorp Variant Classification Summary - May 2015. Collection method: clinical testing. Allele origin: germline.
Comment: Variant summary: BRCA2 c.4902_4905delTTTG (p.Phe1634LeufsX9) results in a premature termination codon, predicted to cause a truncation of the encoded protein or absence of the protein due to nonsense mediated decay, which are commonly known mechanisms for disease. The variant was absent in 248954 control chromosomes. To our knowledge, no occurrence of c.4902_4905delTTTG in individuals affected with Hereditary Breast And Ovarian Cancer Syndrome and no experimental evidence demonstrating its impact on protein function have been reported. No submitters have cited clinical-significance assessments for this variant to ClinVar. Based on the evidence outlined above, the variant was classified as pathogenic.

NM_000059.4(BRCA2):c.4902_4905del (p.Phe1634fs)

Gene: BRCA2 (BRCA2 DNA repair associated; plus strand). Cytogenetic location: 13q13.1.
Variant type: Deletion.
Coding change: c.4902_4905del on transcript NM_000059.4 (MANE Select); coding-DNA positions 4902 to 4905, 4 bases deleted (TTTG; older notation c.4902_4905delTTTG).
Protein change: p.Phe1634fs; shifts the reading frame from phenylalanine 1634.
Molecular consequence: frameshift variant. On other transcripts: non-coding transcript variant (1), intron variant (2).
Genome position (GRCh38, 1-based): chr13:32,339,257-32,339,260, TTTG deleted. VCF-style (leftmost placement, unchanged base first): chr13-32339256-TTTTG-T. GRCh37 (hg19) VCF-style: chr13-32913393-TTTTG-T.
Other names: c.4902_4905del, p.Phe1634fs (NM_001406719.1, NM_001406720.1, NM_001432077.1); c.1910-5301_1910-5298del (NM_001406721.1); c.425-5301_425-5298del (NM_001406722.1); c.4902_4905delTTTG (NM_000059.4); short protein forms F1634fs.
Identifiers: ClinVar variation 3385186 (VCV003385186.1).